The following is an entry in ClinVar:

ClinVar aggregate classification (germline): Pathogenic (1 of 4 stars; one submission).

Conditions:
Hereditary cancer-predisposing syndrome. Also called: Hereditary Cancer Syndrome; Hereditary neoplastic syndrome; Tumor predisposition; Neoplastic Syndromes, Hereditary. Identifiers: Orphanet 140162, MedGen C0027672, MeSH D009386, MONDO:0015356.

Submission:

Ambry Genetics
Classification: Pathogenic for Hereditary cancer-predisposing syndrome. Last evaluated: 2018-10-20. Review status: criteria provided, single submitter. Criteria: Ambry Variant Classification Scheme 2023. Collection method: clinical testing. Allele origin: germline.
Comment: The c.2465delG pathogenic mutation, located in coding exon 10 of the BRCA2 gene, results from a deletion of one nucleotide at nucleotide position 2465, causing a translational frameshift with a predicted alternate stop codon (p.C822Lfs*3). This alteration is expected to result in loss of function by premature protein truncation or nonsense-mediated mRNA decay. As such, this alteration is interpreted as a disease-causing mutation.

NM_000059.4(BRCA2):c.2465del (p.Cys822fs)

Gene: BRCA2 (BRCA2 DNA repair associated; plus strand). Cytogenetic location: 13q13.1.
Variant type: Deletion.
Coding change: c.2465del on transcript NM_000059.4 (MANE Select); coding-DNA position 2465, one base deleted (G; older notation c.2465delG).
Protein change: p.Cys822fs; shifts the reading frame from cysteine 822.
Molecular consequence: frameshift variant.
Genome position (GRCh38, 1-based): chr13:32,336,820, G deleted. VCF-style (leftmost placement, unchanged base first): chr13-32336819-TG-T. GRCh37 (hg19) VCF-style: chr13-32910956-TG-T.
Other names: c.2465delG, p.Cys822Leufs (NM_001406719.1, NM_001406720.1); short protein forms C822fs.
Identifiers: ClinVar variation 1791678 (VCV001791678.2), dbSNP rs2548524015, ClinGen allele CA2580087270.